The following is an entry in ClinVar:

ClinVar aggregate classification (germline): Likely benign (1 of 4 stars; one submission).

Allele frequency attached by ClinVar (database versions not stated): TOPMed below 0.00001; gnomAD 0.00001; gnomAD exomes 0.00001.
gnomAD v4.1: 10 of 1,200,224 alleles (0.00083%); highest among the groups gnomAD compares: African/African-American, 0.018%; no homozygotes.

Submission:

CeGaT Center for Human Genetics Tuebingen
Classification: Likely benign. Last evaluated: 2023-02-01. Review status: criteria provided, single submitter. Criteria: CeGaT Center For Human Genetics Tuebingen Variant Classification Criteria Version 2. Collection method: clinical testing. Allele origin: germline. Affected: yes. Observed: 1 variant allele.
Comment: SYN1: BP4

NM_006950.3(SYN1):c.1056-7T>G

Gene: SYN1 (synapsin I; minus strand). Cytogenetic location: Xp11.3.
Variant type: single nucleotide variant.
Coding change: c.1056-7T>G on transcript NM_006950.3 (MANE Select); 7 bases into the intron before coding-DNA position 1056, T replaced by G.
Molecular consequence: intron variant.
Genome position (GRCh38, 1-based): chrX:47,576,240, A>C on the plus strand (T>G on the coding strand, the complement: SYN1 is on the minus strand). VCF-style: chrX-47576240-A-C. GRCh37 (hg19) VCF-style: chrX-47435639-A-C.
Other names: c.1056-7T>G (NM_133499.2).
Identifiers: ClinVar variation 2499135 (VCV002499135.28), dbSNP rs1274863895, ClinGen allele CA875821536.